The following is an entry in ClinVar:

ClinVar aggregate classification (germline): Uncertain significance (1 of 4 stars; one submission).

Allele frequency attached by ClinVar (database versions not stated): gnomAD 0.00001; TOPMed 0.00001; gnomAD exomes 0.00002; ExAC 0.00005.
gnomAD v4.1: 18 of 1,204,224 alleles (0.0015%); highest among the groups gnomAD compares: South Asian, 0.016%; no homozygotes.

Submission:

Labcorp Genetics (formerly Invitae), Labcorp
Classification: Uncertain significance. Last evaluated: 2022-11-06. Review status: criteria provided, single submitter. Criteria: Invitae Variant Classification Sherloc (09022015). Collection method: clinical testing. Allele origin: germline.
Comment: In summary, the available evidence is currently insufficient to determine the role of this variant in disease. Therefore, it has been classified as a Variant of Uncertain Significance. Advanced modeling of protein sequence and biophysical properties (such as structural, functional, and spatial information, amino acid conservation, physicochemical variation, residue mobility, and thermodynamic stability) has been performed at Invitae for this missense variant, however the output from this modeling did not meet the statistical confidence thresholds required to predict the impact of this variant on ALAS2 protein function. This variant has not been reported in the literature in individuals affected with ALAS2-related conditions. This variant is present in population databases (rs778388971, gnomAD 0.03%). This sequence change replaces arginine, which is basic and polar, with cysteine, which is neutral and slightly polar, at codon 560 of the ALAS2 protein (p.Arg560Cys).

NM_000032.5(ALAS2):c.1678C>T (p.Arg560Cys)

Gene: ALAS2 (5'-aminolevulinate synthase 2; minus strand). Cytogenetic location: Xp11.21.
Variant type: single nucleotide variant.
Coding change: c.1678C>T on transcript NM_000032.5 (MANE Select); coding-DNA position 1678, C replaced by T.
Protein change: p.Arg560Cys; replaces arginine 560 with cysteine.
Molecular consequence: missense variant.
Genome position (GRCh38, 1-based): chrX:55,009,266, G>A on the plus strand (C>T on the coding strand, the complement: ALAS2 is on the minus strand). VCF-style: chrX-55009266-G-A. GRCh37 (hg19) VCF-style: chrX-55035699-G-A.
Other names: c.1567C>T, p.Arg523Cys (NM_001037967.4); c.1639C>T, p.Arg547Cys (NM_001037968.4); short protein forms R523C, R560C, R547C.
Identifiers: ClinVar variation 2873637 (VCV002873637.3), dbSNP rs778388971, ClinGen allele CA10428238.